The following is an entry in ClinVar:

ClinVar aggregate classification (germline): Uncertain significance (1 of 4 stars; one submission).

Conditions:
Hereditary cancer-predisposing syndrome. Also called: Neoplastic Syndromes, Hereditary; Tumor predisposition; Hereditary Cancer Syndrome; Hereditary neoplastic syndrome. Identifiers: Orphanet 140162, MedGen C0027672, MeSH D009386, MONDO:0015356.

Submission:

Color Diagnostics, LLC DBA Color Health
Classification: Uncertain significance for Hereditary cancer-predisposing syndrome. Last evaluated: 2023-12-04. Review status: criteria provided, single submitter. Criteria: ACMG Guidelines, 2015. Collection method: clinical testing. Allele origin: germline.
Comment: This missense variant replaces alanine with isoleucine at codon 518 of the BARD1 protein. To our knowledge, functional studies have not been reported for this variant. This variant has not been reported in individuals affected with BARD1-related disorders in the literature. This variant has not been identified in the general population by the Genome Aggregation Database (gnomAD). The available evidence is insufficient to determine the role of this variant in disease conclusively. Therefore, this variant is classified as a Variant of Uncertain Significance.

NM_000465.4(BARD1):c.1552_1553delinsAT (p.Ala518Ile)

Gene: BARD1 (BRCA1 associated RING domain 1; minus strand). Cytogenetic location: 2q35.
Variant type: Indel.
Coding change: c.1552_1553delinsAT on transcript NM_000465.4 (MANE Select); coding-DNA positions 1552 to 1553, GC replaced by AT.
Protein change: p.Ala518Ile; replaces alanine 518 with isoleucine.
Molecular consequence: missense variant. On other transcripts: non-coding transcript variant (3), intron variant (3).
Genome position (GRCh38, 1-based): chr2:214,767,497-214,767,498, GC replaced by AT on the plus strand (GC replaced by AT on the coding strand, the reverse complement: BARD1 is on the minus strand). VCF-style: chr2-214767497-GC-AT. GRCh37 (hg19) VCF-style: chr2-215632221-GC-AT.
Other names: c.1495_1496delinsAT, p.Ala499Ile (NM_001282543.2); c.159-14943_159-14942delinsAT (NM_001282548.2); c.216-14943_216-14942delinsAT (NM_001282545.2); c.364+24799_364+24800delinsAT (NM_001282549.2); short protein forms A499I, A518I.
Identifiers: ClinVar variation 921439 (VCV000921439.4), dbSNP rs1694260497, ClinGen allele CA913188274.
Genomic context (GRCh38, chr2:214,767,497, plus strand): 5'-AATATAGGTCCATTTTAAAAATAATTTTTACGTTGAACTACTTACACAGCATTTCTGGAG[GC>AT]TCCATAGGAAAGTAACAGCTTGACTATATCCACATGCCCATTCTTGGCTGCATCGTGAAG-3'
Protein context (NP_000456.2, residues 508-528): DIVKLLLSYG[Ala518Ile]SRNAVNIFGL